The following is an entry in ClinVar:

ClinVar aggregate classification (germline): Uncertain significance. Review status: criteria provided, multiple submitters, no conflicts (2 of 4 stars). 3 submissions from 3 submitters: Uncertain significance (3). Last evaluated 2026-07-04.

Conditions:
Intrauterine growth retardation, metaphyseal dysplasia, adrenal hypoplasia congenita, genital anomalies, and immunodeficiency. Also called: IMAGEI SYNDROME. Identifiers: MedGen C5193036, MONDO:0032684, OMIM 618336.
Facial dysmorphism-immunodeficiency-livedo-short stature syndrome. Also called: Facial dysmorphism, immunodeficiency, livedo, and short stature; FILS syndrome. Identifiers: Orphanet 352712, MedGen C3554576, MONDO:0014058, OMIM 615139.
Colorectal cancer, susceptibility to, 12 (CRCS12). Also called: COLORECTAL CANCER, SUSCEPTIBILITY TO, ON CHROMOSOME 12q24. Identifiers: Orphanet 220460, MedGen C3554460, MONDO:0014038, OMIM 615083.
Hereditary cancer-predisposing syndrome. Also called: Hereditary Cancer Syndrome; Neoplastic Syndromes, Hereditary; Hereditary neoplastic syndrome; Tumor predisposition. Identifiers: Orphanet 140162, MedGen C0027672, MeSH D009386, MONDO:0015356.

Submissions (3):

Ambry Genetics
Classification: Uncertain significance for Hereditary cancer-predisposing syndrome. Last evaluated: 2026-07-04. Review status: criteria provided, single submitter. Criteria: Ambry Variant Classification Scheme 2023. Collection method: clinical testing. Allele origin: germline.
Comment: The p.M1470T variant (also known as c.4409T>C), located in coding exon 34 of the POLE gene, results from a T to C substitution at nucleotide position 4409. The methionine at codon 1470 is replaced by threonine, an amino acid with similar properties. This amino acid position is conserved. In addition, this alteration is predicted to be tolerated by in silico analysis. Based on the available evidence, the clinical significance of this variant remains unclear.

Department of Pathology and Laboratory Medicine, Sinai Health System
Classification: Uncertain significance for Colorectal cancer, susceptibility to, 12; Facial dysmorphism-immunodeficiency-livedo-short stature syndrome; Intrauterine growth retardation, metaphyseal dysplasia, adrenal hypoplasia congenita, genital anomalies, and immunodeficiency. Last evaluated: 2024-10-29. Review status: criteria provided, single submitter. Criteria: ACMG Guidelines, 2015. Collection method: clinical testing. Allele origin: germline.

Labcorp Genetics (formerly Invitae), Labcorp
Classification: Uncertain significance. Last evaluated: 2024-03-06. Review status: criteria provided, single submitter. Criteria: Invitae Variant Classification Sherloc (09022015). Collection method: clinical testing. Allele origin: germline.
Comment: This sequence change replaces methionine, which is neutral and non-polar, with threonine, which is neutral and polar, at codon 1470 of the POLE protein (p.Met1470Thr). This variant is not present in population databases (gnomAD no frequency). This variant has not been reported in the literature in individuals affected with POLE-related conditions. ClinVar contains an entry for this variant (Variation ID: 1440127). Advanced modeling of protein sequence and biophysical properties (such as structural, functional, and spatial information, amino acid conservation, physicochemical variation, residue mobility, and thermodynamic stability) performed at Invitae indicates that this missense variant is not expected to disrupt POLE protein function with a negative predictive value of 80%. In summary, the available evidence is currently insufficient to determine the role of this variant in disease. Therefore, it has been classified as a Variant of Uncertain Significance.

NM_006231.4(POLE):c.4409T>C (p.Met1470Thr)

Gene: POLE (DNA polymerase epsilon, catalytic subunit; minus strand). Cytogenetic location: 12q24.33.
Variant type: single nucleotide variant.
Coding change: c.4409T>C on transcript NM_006231.4 (MANE Select); coding-DNA position 4409, T replaced by C.
Protein change: p.Met1470Thr; replaces methionine 1470 with threonine.
Molecular consequence: missense variant.
Genome position (GRCh38, 1-based): chr12:132,643,442, A>G on the plus strand (T>C on the coding strand, the complement: POLE is on the minus strand). VCF-style: chr12-132643442-A-G. GRCh37 (hg19) VCF-style: chr12-133220028-A-G.
Other names: c.4409T>C (NM_006231.2); short protein forms M1470T.
Identifiers: ClinVar variation 1440127 (VCV001440127.8), dbSNP rs2138550452, ClinGen allele CA387381063.
Genomic context (GRCh38, chr12:132,643,442, plus strand): 5'-GATGGGCGGCTGGTGCAGGCCATACCTGGTTCCAGGTAGCTGAACTGGGCCAGAGAGCGC[A>G]TCTCCAGGTGCTCAAGAGCAAAGGTCTCTGCTTCCCAGCCTGAAAGGTGCCTCACCAGCT-3'
Protein context (NP_006222.2, residues 1460-1480): AETFALEHLE[Met1470Thr]RSLAQFSYLE